The following is an entry in ClinVar:

ClinVar aggregate classification (germline): Uncertain significance. Review status: criteria provided, multiple submitters, no conflicts (2 of 4 stars). 2 submissions from 2 submitters: Uncertain significance (2). Last evaluated 2026-01-13.

Allele frequency attached by ClinVar (database versions not stated): gnomAD 0.00013 and 0.00014; gnomAD exomes 0.00016 and 0.00029; ExAC 0.00017; TOPMed 0.00017; ESP Exome Variant Server 0.00023.
gnomAD v4.1: 440 of 1,603,114 alleles (0.027%); highest among the groups gnomAD compares: Non-Finnish European, 0.034%; no homozygotes.

Submissions (2):

Labcorp Genetics (formerly Invitae), Labcorp
Classification: Uncertain significance. Last evaluated: 2026-01-13. Review status: criteria provided, single submitter. Criteria: Invitae Variant Classification Sherloc (09022015). Collection method: clinical testing. Allele origin: germline.
Comment: This sequence change replaces arginine, which is basic and polar, with histidine, which is basic and polar, at codon 380 of the MYLK3 protein (p.Arg380His). This variant is present in population databases (rs145982918, gnomAD 0.02%). This variant has not been reported in the literature in individuals affected with MYLK3-related conditions. ClinVar contains an entry for this variant (Variation ID: 1346788). An algorithm developed to predict the effect of missense changes on protein structure and function outputs the following: PolyPhen-2: "Benign". The histidine amino acid residue is found in multiple mammalian species, which suggests that this missense change does not adversely affect protein function. In summary, the available evidence is currently insufficient to determine the role of this variant in disease. Therefore, it has been classified as a Variant of Uncertain Significance.

Breakthrough Genomics
Classification: Uncertain significance. Review status: criteria provided, single submitter. Criteria: ACMG Guidelines, 2015. Collection method: not provided. Allele origin: germline. Inheritance: Unknown mechanism. Affected: yes.

NM_182493.3(MYLK3):c.1139G>A (p.Arg380His)

Gene: MYLK3 (myosin light chain kinase 3; minus strand). Cytogenetic location: 16q11.2.
Variant type: single nucleotide variant.
Coding change: c.1139G>A on transcript NM_182493.3 (MANE Select); coding-DNA position 1139, G replaced by A.
Protein change: p.Arg380His; replaces arginine 380 with histidine.
Molecular consequence: missense variant.
Genome position (GRCh38, 1-based): chr16:46,732,531, C>T on the plus strand (G>A on the coding strand, the complement: MYLK3 is on the minus strand). VCF-style: chr16-46732531-C-T. GRCh37 (hg19) VCF-style: chr16-46766443-C-T.
Other names: c.116G>A, p.Arg39His (NM_001308301.1); short protein forms R39H, R380H.
Identifiers: ClinVar variation 1346788 (VCV001346788.7), dbSNP rs145982918, ClinGen allele CA8038065.
Genomic context (GRCh38, chr16:46,732,531, plus strand): 5'-AGCTCTCTGGCTCCTTCAGGGGTCTGTTCTCCGGGCTCAGTCCCAGGGGCTTGGAGGCAG[C>T]GCCCGGTCCCAGGTGGGCCCTGCTTGCCTGGCTGGGCAGCTGCTGGAGCCTCTGTGGTGA-3'
Protein context (NP_872299.2, residues 370-390): PGKQGPPGTG[Arg380His]CLQAPGTEPG